The following is an entry in ClinVar:

NM_007194.4(CHEK2):c.41del (p.Gly14fs)

Gene: CHEK2 (checkpoint kinase 2; minus strand). Cytogenetic location: 22q12.1.
Variant type: Deletion.
Coding change: c.41del on transcript NM_007194.4 (MANE Select); coding-DNA position 41, one base deleted (G; older notation c.41delG).
Protein change: p.Gly14fs; shifts the reading frame from glycine 14.
Molecular consequence: frameshift variant.
Genome position (GRCh38, 1-based): chr22:28,734,681, C deleted on the plus strand (G on the coding strand, the reverse complement: CHEK2 is on the minus strand); the first of 2 consecutive C bases (chr22:28,734,681-28,734,682); deleting either gives the same sequence. VCF-style (leftmost placement, unchanged base first): chr22-28734680-GC-G. GRCh37 (hg19) VCF-style: chr22-29130668-GC-G.
Other names: c.40delG, p.Gly14Alafs (NM_001005735.3, NM_001349956.3, NM_145862.3); c.-738delG (NM_001257387.3); short protein forms G14fs.
Identifiers: ClinVar variation 1074748 (VCV001074748.8), dbSNP rs2146155398, ClinGen allele CA2499226110.
Genomic context (GRCh38, chr22:28,734,680, plus strand): 5'-CTGTGAGGAGGAGCCTTGGGACTGGGTAACGCTGCCATGGGGCTGTGAACAGGCACTGCT[GC>G]CATGAGACTGCTGAGCCTCAACATCCGACTCCCGAGACATCACGACCTCAAAAAGAAAGT-3'

ClinVar aggregate classification (germline): Pathogenic (1 of 4 stars; one submission).

Conditions:
Familial cancer of breast. Also called: hereditary breast carcinoma; Hereditary breast cancer; BREAST CANCER, FAMILIAL. Identifiers: Orphanet 227535, MedGen C0346153, MONDO:0016419, OMIM 114480. Disease mechanism: loss of function.

Submission:

Labcorp Genetics (formerly Invitae), Labcorp
Classification: Pathogenic for Familial cancer of breast. Last evaluated: 2020-07-07. Review status: criteria provided, single submitter. Criteria: Invitae Variant Classification Sherloc (09022015). Collection method: clinical testing. Allele origin: germline.
Comment: For these reasons, this variant has been classified as Pathogenic. Loss-of-function variants in CHEK2 are known to be pathogenic (PMID: 21876083, 24713400). This variant has not been reported in the literature in individuals with CHEK2-related conditions. This variant is not present in population databases (ExAC no frequency). This sequence change creates a premature translational stop signal (p.Gly14Alafs*47) in the CHEK2 gene. It is expected to result in an absent or disrupted protein product.

Literature cited by the submitters: PubMed 21876083; PubMed 24713400.